The following is an entry in ClinVar:

NM_000138.5(FBN1):c.6325C>T (p.Gln2109Ter)

Gene: FBN1 (fibrillin 1; minus strand). Cytogenetic location: 15q21.1.
Variant type: single nucleotide variant.
Coding change: c.6325C>T on transcript NM_000138.5 (MANE Select); coding-DNA position 6325, C replaced by T.
Protein change: p.Gln2109Ter; replaces glutamine 2109 with a stop codon.
Molecular consequence: nonsense.
Genome position (GRCh38, 1-based): chr15:48,437,376, G>A on the plus strand (C>T on the coding strand, the complement: FBN1 is on the minus strand). VCF-style: chr15-48437376-G-A. GRCh37 (hg19) VCF-style: chr15-48729573-G-A.
Other names: short protein forms Q2109*.
Identifiers: ClinVar variation 488820 (VCV000488820.28), dbSNP rs1555395229, ClinGen allele CA392336847.
Genomic context (GRCh38, chr15:48,437,376, plus strand): 5'-ACTGACCAACTGCTGAATCATCAGGTCCCACGATGATCCCACTTCCATAAGGACATATCT[G>A]GCGGAAGGCCTCTGTGGTGGAGACACTCATTAATAGATAGAACAATAGCAATTCATTACA-3'

ClinVar aggregate classification (germline): Pathogenic. Review status: criteria provided, multiple submitters, no conflicts (2 of 4 stars). 5 submissions from 5 submitters: Pathogenic (4). 1 of the submissions does not count toward it. Last evaluated 2024-12-03.

Conditions:
Marfan syndrome (MFS). Also called: MARFAN SYNDROME, TYPE I; FBN1-Related Marfan Syndrome; Marfan syndrome type 1; Marfan's syndrome; Marfan syndrome, classic. Identifiers: Orphanet 284963, Orphanet 558, MedGen C0024796, MONDO:0007947, OMIM 154700.
Familial thoracic aortic aneurysm and aortic dissection (TAAD). Also called: Thoracic aortic aneurysms and dissections. Identifiers: Orphanet 91387, MedGen C4707243, MONDO:0019625.
FBN1-related disorder. Also called: FBN1-related disorders.

Allele frequency attached by ClinVar (database versions not stated): gnomAD exomes below 0.00001.

Submissions (5):

Labcorp Genetics (formerly Invitae), Labcorp
Classification: Pathogenic for Marfan syndrome; Familial thoracic aortic aneurysm and aortic dissection. Last evaluated: 2024-12-03. Review status: criteria provided, single submitter. Criteria: Invitae Variant Classification Sherloc (09022015). Collection method: clinical testing. Allele origin: germline.
Comment: This sequence change creates a premature translational stop signal (p.Gln2109*) in the FBN1 gene. It is expected to result in an absent or disrupted protein product. Loss-of-function variants in FBN1 are known to be pathogenic (PMID: 17657824, 19293843). This variant is not present in population databases (gnomAD no frequency). This premature translational stop signal has been observed in individual(s) with Marfan syndrome (PMID: 19293843, 21542060). In at least one individual the variant was observed to be de novo. ClinVar contains an entry for this variant (Variation ID: 488820). For these reasons, this variant has been classified as Pathogenic.

Centre of Medical Genetics, University of Antwerp
Classification: Pathogenic for Marfan syndrome. Last evaluated: 2021-03-01. Review status: criteria provided, single submitter. Criteria: Submitter's publication. Collection method: research. Allele origin: unknown. Affected: yes.
Comment: PM2, PVS1, PP4

Blueprint Genetics
Classification: Pathogenic for FBN1-related disorders. Last evaluated: 2019-04-11. Review status: criteria provided, single submitter. Criteria: ACMG Guidelines, 2015. Collection method: clinical testing. Allele origin: germline. Affected: yes. Observed: 1 variant allele.

GeneDx
Classification: Pathogenic. Last evaluated: 2017-12-20. Review status: criteria provided, single submitter. Criteria: GeneDx Variant Classification (06012015). Collection method: clinical testing. Allele origin: germline. Affected: yes.
Comment: The Q2109X pathogenic variant in the FBN1 gene has been previously published in individuals who met the Ghent criteria for Marfan syndrome (Collod-BÃ©roud et al., 2003; Stheneur et al., 2009; Baetens et al., 2011). Q2109X is predicted to cause loss of normal protein function either by protein truncation or nonsense-mediated mRNA decay. Other downstream nonsense variants in the FBN1 gene have been reported in Human Gene Mutation Database in association with Marfan syndrome (Stenson et al., 2014). Furthermore, the Q2109X variant is not observed in large population cohorts (Lek et al., 2016).In summary, Q2109X in the FBN1 gene is interpreted as a pathogenic variant.

Center for Medical Genetics Ghent, University of Ghent
Classification: Pathogenic for Marfan syndrome. Last evaluated: 2017-11-07. Review status: no assertion criteria provided. Collection method: clinical testing. Allele origin: germline. Affected: yes. Not counted in ClinVar's aggregate classification.

Literature cited by the submitters: PubMed 17657824 (cited by Labcorp Genetics (formerly Invitae), Labcorp); PubMed 19293843 (cited by Labcorp Genetics (formerly Invitae), Labcorp); PubMed 21542060 (cited by Labcorp Genetics (formerly Invitae), Labcorp).